The following is an entry in ClinVar:

NM_001177316.2(SLC34A3):c.1320G>A (p.Met440Ile)

Gene: SLC34A3 (solute carrier family 34 member 3; plus strand). Cytogenetic location: 9q34.3.
Variant type: single nucleotide variant.
Coding change: c.1320G>A on transcript NM_001177316.2 (MANE Select); coding-DNA position 1320, G replaced by A.
Protein change: p.Met440Ile; replaces methionine 440 with isoleucine.
Molecular consequence: missense variant.
Genome position (GRCh38, 1-based): chr9:137,234,716, G>A. VCF-style: chr9-137234716-G-A. GRCh37 (hg19) VCF-style: chr9-140129168-G-A.
Other names: c.1320G>A, p.Met440Ile (NM_001177317.2, NM_080877.3); short protein forms M440I.
Identifiers: ClinVar variation 1713460 (VCV001713460.5), dbSNP rs2131418544, ClinGen allele CA375738342.

ClinVar aggregate classification (germline): Uncertain significance (1 of 4 stars; one submission).

Submission:

Labcorp Genetics (formerly Invitae), Labcorp
Classification: Uncertain significance. Last evaluated: 2022-07-23. Review status: criteria provided, single submitter. Criteria: Invitae Variant Classification Sherloc (09022015). Collection method: clinical testing. Allele origin: germline.
Comment: In summary, the available evidence is currently insufficient to determine the role of this variant in disease. Therefore, it has been classified as a Variant of Uncertain Significance. Algorithms developed to predict the effect of missense changes on protein structure and function output the following: SIFT: "Tolerated"; PolyPhen-2: "Benign"; Align-GVGD: "Class C0". The isoleucine amino acid residue is found in multiple mammalian species, which suggests that this missense change does not adversely affect protein function. This variant has not been reported in the literature in individuals affected with SLC34A3-related conditions. This variant is not present in population databases (gnomAD no frequency). This sequence change replaces methionine, which is neutral and non-polar, with isoleucine, which is neutral and non-polar, at codon 440 of the SLC34A3 protein (p.Met440Ile).